The following is an entry in ClinVar:

NM_001080512.3(BICC1):c.1313C>A (p.Ala438Glu)

Gene: BICC1 (BicC family RNA binding protein 1; plus strand). Cytogenetic location: 10q21.1.
Variant type: single nucleotide variant.
Coding change: c.1313C>A on transcript NM_001080512.3 (MANE Select); coding-DNA position 1313, C replaced by A.
Protein change: p.Ala438Glu; replaces alanine 438 with glutamic acid.
Molecular consequence: missense variant.
Genome position (GRCh38, 1-based): chr10:58,796,473, C>A. VCF-style: chr10-58796473-C-A. GRCh37 (hg19) VCF-style: chr10-60556233-C-A.
Other names: short protein forms A438E.
Identifiers: ClinVar variation 4763374 (VCV004763374.1).

ClinVar aggregate classification (germline): Uncertain significance (1 of 4 stars; one submission).

gnomAD v4.1: 20 of 1,614,110 alleles (0.0012%); highest among the groups gnomAD compares: Non-Finnish European, 0.0017%; no homozygotes.

Submission:

Labcorp Genetics (formerly Invitae), Labcorp
Classification: Uncertain significance. Last evaluated: 2025-03-22. Review status: criteria provided, single submitter. Criteria: Invitae Variant Classification Sherloc (09022015). Collection method: clinical testing. Allele origin: germline.
Comment: This sequence change replaces alanine, which is neutral and non-polar, with glutamic acid, which is acidic and polar, at codon 438 of the BICC1 protein (p.Ala438Glu). This variant is not present in population databases (gnomAD no frequency). This variant has not been reported in the literature in individuals affected with BICC1-related conditions. An algorithm developed to predict the effect of missense changes on protein structure and function (PolyPhen-2) suggests that this variant is likely to be tolerated. In summary, the available evidence is currently insufficient to determine the role of this variant in disease. Therefore, it has been classified as a Variant of Uncertain Significance.